The following is an entry in ClinVar:

ClinVar aggregate classification (germline): Uncertain significance (1 of 4 stars; one submission).

Conditions:
Atypical glycine encephalopathy. Also called: Glycine encephalopathy with normal serum glycine. Identifiers: Orphanet 289863, MedGen C4310943, MONDO:0015010, OMIM 617301.

Submission:

Labcorp Genetics (formerly Invitae), Labcorp
Classification: Uncertain significance for Atypical glycine encephalopathy. Last evaluated: 2022-10-27. Review status: criteria provided, single submitter. Criteria: Invitae Variant Classification Sherloc (09022015). Collection method: clinical testing. Allele origin: germline.
Comment: This variant is not present in population databases (gnomAD no frequency). This variant has not been reported in the literature in individuals affected with SLC6A9-related conditions. Algorithms developed to predict the effect of missense changes on protein structure and function output the following: SIFT: "Tolerated"; PolyPhen-2: "Benign"; Align-GVGD: "Class C0". The valine amino acid residue is found in multiple mammalian species, which suggests that this missense change does not adversely affect protein function. In summary, the available evidence is currently insufficient to determine the role of this variant in disease. Therefore, it has been classified as a Variant of Uncertain Significance. This sequence change replaces isoleucine, which is neutral and non-polar, with valine, which is neutral and non-polar, at codon 147 of the SLC6A9 protein (p.Ile147Val).

NM_001024845.3(SLC6A9):c.220A>G (p.Ile74Val)

Gene: SLC6A9 (solute carrier family 6 member 9; minus strand). Cytogenetic location: 1p34.1.
Variant type: single nucleotide variant.
Coding change: c.220A>G on transcript NM_001024845.3 (MANE Select); coding-DNA position 220, A replaced by G.
Protein change: p.Ile74Val; replaces isoleucine 74 with valine.
Molecular consequence: missense variant. On other transcripts: non-coding transcript variant (1), intron variant (3).
Genome position (GRCh38, 1-based): chr1:44,010,064, T>C on the plus strand (A>G on the coding strand, the complement: SLC6A9 is on the minus strand). VCF-style: chr1-44010064-T-C. GRCh37 (hg19) VCF-style: chr1-44475736-T-C.
Other names: c.-14-1441A>G (NM_001328630.2, NM_001328626.2); c.125-1441A>G (NM_001328628.1); c.232A>G, p.Ile78Val (NM_001261380.2); c.157A>G, p.Ile53Val (NM_001328627.1); c.220A>G, p.Ile74Val (NM_001328629.1); c.277A>G, p.Ile93Val (NM_006934.4); c.439A>G, p.Ile147Val (NM_201649.4); short protein forms I53V, I93V, I74V, I78V, I147V.
Identifiers: ClinVar variation 1963257 (VCV001963257.5), dbSNP rs2529291799, ClinGen allele CA340072952.